The following is an entry in ClinVar:

NM_000089.4(COL1A2):c.538_540+11del

Gene: COL1A2 (collagen type I alpha 2 chain; plus strand). Cytogenetic location: 7q21.3.
Variant type: Deletion.
Coding change: c.538_540+11del on transcript NM_000089.4 (MANE Select); coding-DNA position 538 through 11 bases into the intron after coding-DNA position 540, 14 bases deleted (AGGGTGAGCACATT).
Molecular consequence: splice donor variant.
Genome position (GRCh38, 1-based): chr7:94,405,724-94,405,737, AGGGTGAGCACATT deleted; deleting any 14 consecutive bases within chr7:94,405,720-94,405,737 gives the same sequence; the c. name uses the placement nearest the transcript's 3' end. VCF-style (leftmost placement, unchanged base first): chr7-94405719-GCATTAGGGTGAGCA-G. GRCh37 (hg19) VCF-style: chr7-94035031-GCATTAGGGTGAGCA-G.
Identifiers: ClinVar variation 2925737 (VCV002925737.3), dbSNP rs2484701546, ClinGen allele CA2578941547.

ClinVar aggregate classification (germline): Likely pathogenic (1 of 4 stars; one submission).

Conditions:
Osteogenesis imperfecta type I (OI1). Also called: Lobstein disease; OI, TYPE I; OSTEOGENESIS IMPERFECTA TARDA; OSTEOGENESIS IMPERFECTA WITH BLUE SCLERAE; Osteogenesis imperfecta type 1; Lobstein's Disease. Identifiers: Orphanet 216796, Orphanet 666, MedGen C0023931, MONDO:0008146, OMIM 166200. Disease mechanism: loss of function.
Ehlers-Danlos syndrome, classic type, 1 (EDSCL1). Also called: EDS I; EHLERS-DANLOS SYNDROME, GRAVIS TYPE; EHLERS-DANLOS SYNDROME, SEVERE CLASSIC TYPE; Ehlers-Danlos syndrome, type 1; Ehlers-Danlos Syndrome, Classic Type, COL5A1-Related. Identifiers: MedGen C0268335, MONDO:0019567, OMIM 130000.

Submission:

Labcorp Genetics (formerly Invitae), Labcorp
Classification: Likely pathogenic for Osteogenesis imperfecta type I; Ehlers-Danlos syndrome, classic type, 1. Last evaluated: 2023-06-14. Review status: criteria provided, single submitter. Criteria: Invitae Variant Classification Sherloc (09022015). Collection method: clinical testing. Allele origin: germline.
Comment: In summary, the currently available evidence indicates that the variant is pathogenic, but additional data are needed to prove that conclusively. Therefore, this variant has been classified as Likely Pathogenic. Algorithms developed to predict the effect of sequence changes on RNA splicing suggest that this variant may disrupt the consensus splice site. This variant results in the deletion of part of exon 11 (c.538_540+11del) of the COL1A2 gene. It is expected to disrupt RNA splicing. Variants that disrupt the donor or acceptor splice site typically lead to a loss of protein function (PMID: 16199547), and loss-of-function variants in COL1A2 are known to be disease-causing for autosomal recessive COL1A2-related conditions (PMID: 15077201, 11288717). However, certain variants affecting donor or acceptor splice sites in the triple helical domain of COL1A2 are expected to result in in-frame exon skipping and have been reported to cause autosomal dominant COL1A2-related conditions (PMID: 17078022, 9295084). This variant is not present in population databases (gnomAD no frequency). This variant has not been reported in the literature in individuals affected with COL1A2-related conditions.

Literature cited by the submitters: PubMed 16199547; PubMed 15077201; PubMed 11288717; PubMed 17078022; PubMed 9295084.